The following is an entry in ClinVar:

ClinVar aggregate classification (germline): Uncertain significance (1 of 4 stars; one submission).

Submission:

Labcorp Genetics (formerly Invitae), Labcorp
Classification: Uncertain significance. Last evaluated: 2022-02-11. Review status: criteria provided, single submitter. Criteria: Invitae Variant Classification Sherloc (09022015). Collection method: clinical testing. Allele origin: germline.
Comment: This sequence change falls in intron 5 of the HACD1 gene. It does not directly change the encoded amino acid sequence of the HACD1 protein. It affects a nucleotide within the consensus splice site. In summary, the available evidence is currently insufficient to determine the role of this variant in disease. Therefore, it has been classified as a Variant of Uncertain Significance. Variants that disrupt the consensus splice site are a relatively common cause of aberrant splicing (PMID: 17576681, 9536098). Algorithms developed to predict the effect of sequence changes on RNA splicing suggest that this variant may create or strengthen a splice site. This variant has not been reported in the literature in individuals affected with HACD1-related conditions. This variant is not present in population databases (gnomAD no frequency).

Literature cited by the submitters: PubMed 17576681; PubMed 9536098.

NM_014241.4(HACD1):c.605+4G>A

Gene: HACD1 (3-hydroxyacyl-CoA dehydratase 1; minus strand). Cytogenetic location: 10p12.33.
Variant type: single nucleotide variant.
Coding change: c.605+4G>A on transcript NM_014241.4 (MANE Select); 4 bases into the intron after coding-DNA position 605, G replaced by A.
Molecular consequence: intron variant.
Genome position (GRCh38, 1-based): chr10:17,599,286, C>T on the plus strand (G>A on the coding strand, the complement: HACD1 is on the minus strand). VCF-style: chr10-17599286-C-T. GRCh37 (hg19) VCF-style: chr10-17641285-C-T.
Identifiers: ClinVar variation 2096973 (VCV002096973.2), dbSNP rs2493859082, ClinGen allele CA2574503635.